The following is an entry in ClinVar:

ClinVar aggregate classification (germline): Benign. Review status: criteria provided, single submitter (1 of 4 stars). 2 submissions from 2 submitters: Benign (1). 1 of the submissions does not count toward it. Last evaluated 2019-12-31.

Conditions:
KMT5B-related disorder. Also called: KMT5B-related condition.

Submissions (2):

Labcorp Genetics (formerly Invitae), Labcorp
Classification: Benign. Last evaluated: 2019-12-31. Review status: criteria provided, single submitter. Criteria: Invitae Variant Classification Sherloc (09022015). Collection method: clinical testing. Allele origin: germline.

PreventionGenetics, part of Exact Sciences
Classification: Benign for KMT5B-related condition. Last evaluated: 2019-06-06. Review status: no assertion criteria provided. Collection method: clinical testing. Allele origin: germline. Not counted in ClinVar's aggregate classification.
Comment: This variant is classified as benign based on ACMG/AMP sequence variant interpretation guidelines (Richards et al. 2015 PMID: 25741868, with internal and published modifications).

NM_017635.5(KMT5B):c.2523TGA[2] (p.Asp844del)

Gene: KMT5B (lysine methyltransferase 5B; minus strand). Cytogenetic location: 11q13.2.
Variant type: Microsatellite.
Coding change: c.2523TGA[2] on transcript NM_017635.5 (MANE Select); two copies in a row of the 3-base unit TGA starting at c.2523; the reference has three copies in a row; one copy, 3 bases deleted; also written c.2529_2531del.
Protein change: p.Asp844del; deletes aspartic acid 844.
Molecular consequence: inframe deletion.
Genome position (GRCh38, 1-based): chr11:68,157,815-68,157,817, TCA deleted on the plus strand (TGA on the coding strand, the reverse complement: KMT5B is on the minus strand); deleting any 3 consecutive bases within chr11:68,157,815-68,157,824 gives the same sequence; the position shown is the placement nearest the transcript's 3' end. VCF-style (leftmost placement, unchanged base first): chr11-68157814-GTCA-G. GRCh37 (hg19) VCF-style: chr11-67925281-GTCA-G.
Other names: c.2007TGA[2], p.Asp672del (NM_001300907.1, NM_001369428.1, NM_001369429.1 and 4 more transcripts); c.1803TGA[2], p.Asp604del (NM_001300908.2); c.2523TGA[2], p.Asp844del (NM_001369426.1); c.2529_2531del (NM_017635.4); short protein forms D672del, D604del, D844del.
Identifiers: ClinVar variation 789490 (VCV000789490.6), dbSNP rs377741521, ClinGen allele CA6147996.